The following is an entry in ClinVar:

NM_000052.7(ATP7A):c.2938C>T (p.Arg980Ter)

Gene: ATP7A (ATPase copper transporting alpha; plus strand). Cytogenetic location: Xq21.1.
Variant type: single nucleotide variant.
Coding change: c.2938C>T on transcript NM_000052.7 (MANE Select); coding-DNA position 2938, C replaced by T.
Protein change: p.Arg980Ter; replaces arginine 980 with a stop codon.
Molecular consequence: nonsense.
Genome position (GRCh38, 1-based): chrX:78,029,271, C>T. VCF-style: chrX-78029271-C-T. GRCh37 (hg19) VCF-style: chrX-77284768-C-T.
Other names: c.2704C>T, p.Arg902Ter (NM_001282224.2); c.2938C>T (NM_000052.6); short protein forms R980*, R902*.
Identifiers: ClinVar variation 11784 (VCV000011784.15), dbSNP rs72554649, ClinGen allele CA256067.
Genomic context (GRCh38, chrX:78,029,271, plus strand): 5'-TCTAAATCAATAACCAAAATTTATGCCTTTCTTCTAAAGGGCTACAATAGAAGTATCTCC[C>T]GAACAGAAACGATAATACGATTTGCTTTCCAAGCCTCTATCACAGTTCTGTGTATTGCAT-3'

ClinVar aggregate classification (germline): Pathogenic. Review status: criteria provided, multiple submitters, no conflicts (2 of 4 stars). 4 submissions from 4 submitters: Pathogenic (2). 2 of the submissions do not count toward it. Last evaluated 2024-03-28.

Conditions:
Menkes kinky-hair syndrome (MNK). Also called: Menkes Disease; Copper transport disease; Classic Menkes Disease. Identifiers: Orphanet 565, MedGen C0022716, MONDO:0010651, OMIM 309400.
X-linked distal spinal muscular atrophy type 3. Also called: NEURONOPATHY, DISTAL HEREDITARY MOTOR, X-LINKED; NEUROPATHY, DISTAL HEREDITARY MOTOR, X-LINKED; ATP7A-Related Distal Motor Neuropathy; SPINAL MUSCULAR ATROPHY, DISTAL, X-LINKED RECESSIVE. Identifiers: Orphanet 139557, MedGen C1845359, MONDO:0010338, OMIM 300489.
Cutis laxa, X-linked (OHS). Also called: EDS IX; Occipital horn syndrome. Identifiers: Orphanet 198, MedGen C0268353, MONDO:0010572, OMIM 304150.

Submissions (4):

Labcorp Genetics (formerly Invitae), Labcorp
Classification: Pathogenic for X-linked distal spinal muscular atrophy type 3; Cutis laxa, X-linked; Menkes kinky-hair syndrome. Last evaluated: 2024-03-28. Review status: criteria provided, single submitter. Criteria: Invitae Variant Classification Sherloc (09022015). Collection method: clinical testing. Allele origin: germline.
Comment: This sequence change creates a premature translational stop signal (p.Arg980*) in the ATP7A gene. It is expected to result in an absent or disrupted protein product. Loss-of-function variants in ATP7A are known to be pathogenic (PMID: 11241493, 20652413). This variant is not present in population databases (gnomAD no frequency). This premature translational stop signal has been observed in individual(s) with Menkes disease (PMID: 11241493). This variant is also known as 3083C>T. ClinVar contains an entry for this variant (Variation ID: 11784). For these reasons, this variant has been classified as Pathogenic.

Genetic Services Laboratory, University of Chicago
Classification: Pathogenic for Menkes disease. Last evaluated: 2013-02-08. Review status: criteria provided, single submitter. Criteria: ACMG Guidelines, 2007. Collection method: clinical testing. Allele origin: germline. Affected: yes.

Inherited Neuropathy Consortium Ii, University Of Miami
Classification: Uncertain significance for Menkes kinky-hair syndrome. Last evaluated: 2016-01-06. Review status: no assertion criteria provided. Collection method: literature only. Allele origin: germline. Affected: yes. Not counted in ClinVar's aggregate classification.

OMIM
Classification: Pathogenic for MENKES DISEASE. Last evaluated: 1998-12-01. Review status: no assertion criteria provided. Collection method: literature only. Allele origin: germline. Not counted in ClinVar's aggregate classification.

Literature cited by the submitters: PubMed 11241493 (cited by Labcorp Genetics (formerly Invitae), Labcorp); PubMed 20652413 (cited by Labcorp Genetics (formerly Invitae), Labcorp); PubMed 8981948 (cited by Inherited Neuropathy Consortium Ii, University Of Miami); PubMed 9894833 (cited by OMIM); Horn, N. Personal Communication. 1999. Copenhagen, Denmark (cited by OMIM).